The following is an entry in ClinVar:

NM_016653.3(MAP3K20):c.2308A>G (p.Lys770Glu)

Genes: MAP3K20 (mitogen-activated protein kinase kinase kinase 20; plus strand), MAP3K20-AS1 (MAP3K20 antisense RNA 1; minus strand). Cytogenetic location: 2q31.1.
Variant type: single nucleotide variant.
Coding change: c.2308A>G on transcript NM_016653.3 (MANE Select); coding-DNA position 2308, A replaced by G.
Protein change: p.Lys770Glu; replaces lysine 770 with glutamic acid.
Molecular consequence: missense variant.
Genome position (GRCh38, 1-based): chr2:173,266,655, A>G. VCF-style: chr2-173266655-A-G. GRCh37 (hg19) VCF-style: chr2-174131383-A-G.
Other names: short protein forms K770E.
Identifiers: ClinVar variation 1389844 (VCV001389844.6), dbSNP rs2106361652, ClinGen allele CA349318256.
Genomic context (GRCh38, chr2:173,266,655, plus strand): 5'-CCTGAGACTGACTCAAGAGCCAGTGAAGAGGACAGCAAAGTCAGCGAAGGGGGCTGGACA[A>G]AAGTGGAATACCGGAAAAAGCCCCACAGGCCATCTCCCGCCAAAACCAATAAAGAGAGAG-3'
Protein context (NP_057737.2, residues 760-780): DSKVSEGGWT[Lys770Glu]VEYRKKPHRP

ClinVar aggregate classification (germline): Uncertain significance (1 of 4 stars; one submission).

Submission:

Labcorp Genetics (formerly Invitae), Labcorp
Classification: Uncertain significance. Last evaluated: 2021-11-23. Review status: criteria provided, single submitter. Criteria: Invitae Variant Classification Sherloc (09022015). Collection method: clinical testing. Allele origin: germline.
Comment: In summary, the available evidence is currently insufficient to determine the role of this variant in disease. Therefore, it has been classified as a Variant of Uncertain Significance. Experimental studies and prediction algorithms are not available or were not evaluated, and the functional significance of this variant is currently unknown. This variant has not been reported in the literature in individuals affected with MAP3K20-related conditions. This variant is not present in population databases (gnomAD no frequency). This sequence change replaces lysine, which is basic and polar, with glutamic acid, which is acidic and polar, at codon 770 of the MAP3K20 protein (p.Lys770Glu).